The following is an entry in ClinVar:

NM_001127178.3(PIGG):c.801del (p.Asp268fs)

Gene: PIGG (phosphatidylinositol glycan anchor biosynthesis class G (EMM blood group); plus strand). Cytogenetic location: 4p16.3.
Variant type: Deletion.
Coding change: c.801del on transcript NM_001127178.3 (MANE Select); coding-DNA position 801, one base deleted (T; older notation c.801delT).
Protein change: p.Asp268fs; shifts the reading frame from aspartic acid 268.
Molecular consequence: frameshift variant. On other transcripts: 5 prime UTR variant (3), non-coding transcript variant (10), intron variant (1).
Genome position (GRCh38, 1-based): chr4:508,870, T deleted. VCF-style (leftmost placement, unchanged base first): chr4-508869-GT-G. GRCh37 (hg19) VCF-style: chr4-502658-GT-G.
Other names: c.534del, p.Asp179fs (NM_001289051.2, NM_001289053.2, NM_001289057.2 and 2 more transcripts); c.402del, p.Asp135fs (NM_001289052.2); c.435del, p.Asp146fs (NM_001289055.2); c.801del, p.Asp268fs (NM_001345989.2, NM_017733.5); c.-825del (NM_001345990.2); c.-687del (NM_001345991.2); c.-412del (NM_001345994.2); c.-129+1277del (NM_001345988.2); short protein forms D179fs, D135fs, D146fs, D268fs.
Identifiers: ClinVar variation 2772396 (VCV002772396.3), dbSNP rs1720864617, ClinGen allele CA1058376405.

ClinVar aggregate classification (germline): Pathogenic (1 of 4 stars; one submission).

Conditions:
Intellectual disability, autosomal recessive 53 (NEDHSCA). Also called: GLYCOSYLPHOSPHATIDYLINOSITOL BIOSYNTHESIS DEFECT 13; Mental retardation, autosomal recessive 53; NEURODEVELOPMENTAL DISORDER WITH OR WITHOUT HYPOTONIA, SEIZURES, AND CEREBELLAR ATROPHY. Identifiers: Orphanet 488635, MedGen C4310794, MONDO:0014832, OMIM 616917.

Allele frequency attached by ClinVar (database versions not stated): gnomAD exomes below 0.00001; TOPMed below 0.00001; gnomAD 0.00001.

Submission:

Labcorp Genetics (formerly Invitae), Labcorp
Classification: Pathogenic for Intellectual disability, autosomal recessive 53. Last evaluated: 2023-12-16. Review status: criteria provided, single submitter. Criteria: Invitae Variant Classification Sherloc (09022015). Collection method: clinical testing. Allele origin: germline.
Comment: This sequence change creates a premature translational stop signal (p.Asp268Thrfs*18) in the PIGG gene. It is expected to result in an absent or disrupted protein product. Loss-of-function variants in PIGG are known to be pathogenic (PMID: 26996948, 28581210, 28771251). This variant is not present in population databases (gnomAD no frequency). This variant has not been reported in the literature in individuals affected with PIGG-related conditions. For these reasons, this variant has been classified as Pathogenic.

Literature cited by the submitters: PubMed 26996948; PubMed 28581210; PubMed 28771251.